The following is an entry in ClinVar:

ClinVar aggregate classification (germline): Uncertain significance. Review status: criteria provided, multiple submitters, no conflicts (2 of 4 stars). 2 submissions from 2 submitters: Uncertain significance (2). Last evaluated 2025-05-29.

Conditions:
Hypertrophic cardiomyopathy. Also called: HYPERTROPHIC MYOCARDIOPATHY. Identifiers: Orphanet 217569, MedGen C0007194, MeSH D002312, MONDO:0005045, HP:0001639.

Allele frequency attached by ClinVar (database versions not stated): gnomAD exomes 0.00004 and 0.00006; gnomAD 0.00005 and 0.00007; ExAC 0.00008; TOPMed 0.00008.
gnomAD v4.1: 67 of 1,608,236 alleles (0.0042%); highest among the groups gnomAD compares: East Asian, 0.034%; no homozygotes.

Submissions (2):

Labcorp Genetics (formerly Invitae), Labcorp
Classification: Uncertain significance for Hypertrophic cardiomyopathy. Last evaluated: 2025-05-29. Review status: criteria provided, single submitter. Criteria: Invitae Variant Classification Sherloc (09022015). Collection method: clinical testing. Allele origin: germline.
Comment: This sequence change replaces arginine, which is basic and polar, with tryptophan, which is neutral and slightly polar, at codon 1349 of the MYOM1 protein (p.Arg1349Trp). This variant is present in population databases (rs762476268, gnomAD 0.06%). This variant has not been reported in the literature in individuals affected with MYOM1-related conditions. ClinVar contains an entry for this variant (Variation ID: 454452). Invitae Evidence Modeling of protein sequence and biophysical properties (such as structural, functional, and spatial information, amino acid conservation, physicochemical variation, residue mobility, and thermodynamic stability) has been performed for this missense variant. However, the output from this modeling did not meet the statistical confidence thresholds required to predict the impact of this variant on MYOM1 protein function. In summary, the available evidence is currently insufficient to determine the role of this variant in disease. Therefore, it has been classified as a Variant of Uncertain Significance.

Ambry Genetics
Classification: Uncertain significance. Last evaluated: 2025-05-20. Review status: criteria provided, single submitter. Criteria: Ambry Variant Classification Scheme 2023. Collection method: clinical testing. Allele origin: germline.

NM_003803.4(MYOM1):c.4045C>T (p.Arg1349Trp)

Gene: MYOM1 (myomesin 1; minus strand). Cytogenetic location: 18p11.31.
Variant type: single nucleotide variant.
Coding change: c.4045C>T on transcript NM_003803.4 (MANE Select); coding-DNA position 4045, C replaced by T.
Protein change: p.Arg1349Trp; replaces arginine 1349 with tryptophan.
Molecular consequence: missense variant.
Genome position (GRCh38, 1-based): chr18:3,089,561, G>A on the plus strand (C>T on the coding strand, the complement: MYOM1 is on the minus strand). VCF-style: chr18-3089561-G-A. GRCh37 (hg19) VCF-style: chr18-3089559-G-A.
Other names: c.3757C>T, p.Arg1253Trp (NM_019856.2); short protein forms R1349W, R1253W.
Identifiers: ClinVar variation 454452 (VCV000454452.13), dbSNP rs762476268, ClinGen allele CA8874080.